The following is an entry in ClinVar:

NM_052989.3(IFT122):c.356G>A (p.Trp119Ter)

Gene: IFT122 (intraflagellar transport 122; plus strand). Cytogenetic location: 3q21.3.
Variant type: single nucleotide variant.
Coding change: c.356G>A on transcript NM_052989.3 (MANE Select); coding-DNA position 356, G replaced by A.
Protein change: p.Trp119Ter; replaces tryptophan 119 with a stop codon.
Molecular consequence: nonsense. On other transcripts: 5 prime UTR variant (2).
Genome position (GRCh38, 1-based): chr3:129,463,566, G>A. VCF-style: chr3-129463566-G-A. GRCh37 (hg19) VCF-style: chr3-129182409-G-A.
Other names: c.509G>A, p.Trp170Ter (NM_001280541.2, NM_052985.4); c.-95G>A (NM_001280545.2, NM_001280546.2); c.356G>A, p.Trp119Ter (NM_001410808.1, NM_001410809.1, NM_001410810.1 and 3 more transcripts); c.200G>A, p.Trp67Ter (NM_001410815.1, NM_001410817.1, NM_052990.3); short protein forms W119*, W170*, W67*.
Identifiers: ClinVar variation 2098042 (VCV002098042.5), dbSNP rs1300189424, ClinGen allele CA354471871.

ClinVar aggregate classification (germline): Pathogenic/Likely pathogenic. Review status: criteria provided, multiple submitters, no conflicts (2 of 4 stars). 2 submissions from 2 submitters: Pathogenic (1); Likely pathogenic (1). Last evaluated 2024-03-14.

Conditions:
Cranioectodermal dysplasia 1 (CED1). Also called: LEVIN SYNDROME I. Identifiers: Orphanet 1515, MedGen C0432235, MONDO:0021093, OMIM 218330.

Allele frequency attached by ClinVar (database versions not stated): gnomAD exomes below 0.00001; gnomAD 0.00001; TOPMed 0.00001.

Submissions (2):

Fulgent Genetics
Classification: Likely pathogenic for Cranioectodermal dysplasia 1. Last evaluated: 2024-03-14. Review status: criteria provided, single submitter. Criteria: ACMG Guidelines, 2015. Collection method: clinical testing. Allele origin: germline.

Labcorp Genetics (formerly Invitae), Labcorp
Classification: Pathogenic for Cranioectodermal dysplasia 1. Last evaluated: 2023-12-27. Review status: criteria provided, single submitter. Criteria: Invitae Variant Classification Sherloc (09022015). Collection method: clinical testing. Allele origin: germline.
Comment: This sequence change creates a premature translational stop signal (p.Trp170*) in the IFT122 gene. It is expected to result in an absent or disrupted protein product. Loss-of-function variants in IFT122 are known to be pathogenic (PMID: 20493458, 23826986, 26792575). This variant is not present in population databases (gnomAD no frequency). This variant has not been reported in the literature in individuals affected with IFT122-related conditions. ClinVar contains an entry for this variant (Variation ID: 2098042). For these reasons, this variant has been classified as Pathogenic.

Literature cited by the submitters: PubMed 20493458 (cited by Labcorp Genetics (formerly Invitae), Labcorp); PubMed 23826986 (cited by Labcorp Genetics (formerly Invitae), Labcorp); PubMed 26792575 (cited by Labcorp Genetics (formerly Invitae), Labcorp).